The following is an entry in ClinVar:

NM_173076.3(ABCA12):c.7105-3_7105-2delinsTT

Genes: ABCA12 (ATP binding cassette subfamily A member 12; minus strand), SNHG31 (small nucleolar RNA host gene 31; plus strand). Cytogenetic location: 2q35.
Variant type: Indel.
Coding change: c.7105-3_7105-2delinsTT on transcript NM_173076.3 (MANE Select); 3 bases into the intron before coding-DNA position 7105 through the canonical splice acceptor site of the intron before coding-DNA position 7105, CA replaced by TT.
Molecular consequence: splice acceptor variant.
Genome position (GRCh38, 1-based): chr2:214,947,558-214,947,559, TG replaced by AA on the plus strand (CA replaced by TT on the coding strand, the reverse complement: ABCA12 is on the minus strand). VCF-style: chr2-214947558-TG-AA. GRCh37 (hg19) VCF-style: chr2-215812282-TG-AA.
Other names: c.6151-3_6151-2delinsTT (NM_015657.4).
Identifiers: ClinVar variation 2698587 (VCV002698587.3), dbSNP rs2469134106, ClinGen allele CA2697550394.

ClinVar aggregate classification (germline): Likely pathogenic (1 of 4 stars; one submission).

Submission:

Labcorp Genetics (formerly Invitae), Labcorp
Classification: Likely pathogenic. Last evaluated: 2023-12-01. Review status: criteria provided, single submitter. Criteria: Invitae Variant Classification Sherloc (09022015). Collection method: clinical testing. Allele origin: germline.
Comment: This sequence change affects a splice site in intron 47 of the ABCA12 gene. It is expected to disrupt RNA splicing. Variants that disrupt the donor or acceptor splice site typically lead to a loss of protein function (PMID: 16199547), and loss-of-function variants in ABCA12 are known to be pathogenic (PMID: 20672373). Information on the frequency of this variant in the gnomAD database is not available, as this variant may be reported differently in the database. This variant has not been reported in the literature in individuals affected with ABCA12-related conditions. In summary, the currently available evidence indicates that the variant is pathogenic, but additional data are needed to prove that conclusively. Therefore, this variant has been classified as Likely Pathogenic.

Literature cited by the submitters: PubMed 16199547; PubMed 20672373.